The following is an entry in ClinVar:

NM_006904.7(PRKDC):c.2770A>G (p.Arg924Gly)

Gene: PRKDC (protein kinase, DNA-activated, catalytic subunit; minus strand). Cytogenetic location: 8q11.21.
Variant type: single nucleotide variant.
Coding change: c.2770A>G on transcript NM_006904.7 (MANE Select); coding-DNA position 2770, A replaced by G.
Protein change: p.Arg924Gly; replaces arginine 924 with glycine.
Molecular consequence: missense variant.
Genome position (GRCh38, 1-based): chr8:47,913,912, T>C on the plus strand (A>G on the coding strand, the complement: PRKDC is on the minus strand). VCF-style: chr8-47913912-T-C. GRCh37 (hg19) VCF-style: chr8-48826472-T-C.
Other names: c.2770A>G, p.Arg924Gly (NM_001081640.2); short protein forms R924G.
Identifiers: ClinVar variation 1795807 (VCV001795807.2), dbSNP rs2551876848, ClinGen allele CA371159061.

ClinVar aggregate classification (germline): Uncertain significance (1 of 4 stars; one submission).

Submission:

Ambry Genetics
Classification: Uncertain significance. Last evaluated: 2021-06-13. Review status: criteria provided, single submitter. Criteria: Ambry Variant Classification Scheme 2023. Collection method: clinical testing. Allele origin: germline.
Comment: The p.R924G variant (also known as c.2770A>G), located in coding exon 24 of the PRKDC gene, results from an A to G substitution at nucleotide position 2770. The arginine at codon 924 is replaced by glycine, an amino acid with dissimilar properties. This amino acid position is conserved. In addition, this alteration is predicted to be deleterious by in silico analysis. Since supporting evidence is limited at this time, the clinical significance of this alteration remains unclear.